The following is an entry in ClinVar:

ClinVar aggregate classification (germline): Uncertain significance (1 of 4 stars; one submission).

Conditions:
Developmental and epileptic encephalopathy 94 (DEE94). Also called: Epileptic encephalopathy, childhood-onset; CHD2-Related Neurodevelopmental Disorders. Identifiers: Orphanet 1942, Orphanet 2382, MedGen C3809278, MONDO:0014150, OMIM 615369.

Submission:

Labcorp Genetics (formerly Invitae), Labcorp
Classification: Uncertain significance for Developmental and epileptic encephalopathy 94. Last evaluated: 2019-11-01. Review status: criteria provided, single submitter. Criteria: Invitae Variant Classification Sherloc (09022015). Collection method: clinical testing. Allele origin: germline.
Comment: This variant has not been reported in the literature in individuals with CHD2-related conditions. Experimental studies and prediction algorithms are not available or were not evaluated, and the functional significance of this variant is currently unknown. In summary, the available evidence is currently insufficient to determine the role of this variant in disease. Therefore, it has been classified as a Variant of Uncertain Significance. This variant is present in population databases (rs762235508, ExAC 0.001%). This variant, c.5078_5080del, results in the deletion of 1 amino acid(s) of the CHD2 protein (p.Asn1693del), but otherwise preserves the integrity of the reading frame.

NM_001271.4(CHD2):c.5075ACA[1] (p.Asn1693del)

Gene: CHD2 (chromodomain helicase DNA binding protein 2; plus strand). Cytogenetic location: 15q26.1.
Variant type: Microsatellite.
Coding change: c.5075ACA[1] on transcript NM_001271.4 (MANE Select); one copy of the 3-base unit ACA starting at c.5075; the reference has two copies in a row; one copy, 3 bases deleted.
Protein change: p.Asn1693del; deletes asparagine 1693.
Molecular consequence: inframe deletion.
Genome position (GRCh38, 1-based): chr15:93,020,183-93,020,185, ACA deleted; deleting any 3 consecutive bases within chr15:93,020,178-93,020,185 gives the same sequence; the position shown is the placement nearest the transcript's 3' end. VCF-style (leftmost placement, unchanged base first): chr15-93020177-CCAA-C. GRCh37 (hg19) VCF-style: chr15-93563407-CCAA-C.
Other names: short protein forms N1693del.
Identifiers: ClinVar variation 968584 (VCV000968584.10), dbSNP rs762235508, ClinGen allele CA7748645.